The following is an entry in ClinVar:

ClinVar aggregate classification (germline): Likely pathogenic (1 of 4 stars; one submission).

Conditions:
Retinitis pigmentosa 59 (RP59). Identifiers: Orphanet 791, MedGen C3151227, MONDO:0013468, OMIM 613861.

Allele frequency attached by ClinVar (database versions not stated): TOPMed 0.00002.

Submission:

Labcorp Genetics (formerly Invitae), Labcorp
Classification: Likely pathogenic for Retinitis pigmentosa 59. Last evaluated: 2022-01-10. Review status: criteria provided, single submitter. Criteria: Invitae Variant Classification Sherloc (09022015). Collection method: clinical testing. Allele origin: germline.
Comment: In summary, the currently available evidence indicates that the variant is pathogenic, but additional data are needed to prove that conclusively. Therefore, this variant has been classified as Likely Pathogenic. Algorithms developed to predict the effect of sequence changes on RNA splicing suggest that this variant may disrupt the consensus splice site. This variant has not been reported in the literature in individuals affected with DHDDS-related conditions. This variant is not present in population databases (gnomAD no frequency). This sequence change affects an acceptor splice site in intron 5 of the DHDDS gene. It is expected to disrupt RNA splicing. Variants that disrupt the donor or acceptor splice site typically lead to a loss of protein function (PMID: 16199547), and loss-of-function variants in DHDDS are known to be pathogenic (PMID: 24664742).

Literature cited by the submitters: PubMed 16199547; PubMed 24664742.

NM_205861.3(DHDDS):c.441-2A>T

Gene: DHDDS (dehydrodolichyl diphosphate synthase subunit; plus strand). Cytogenetic location: 1p36.11.
Variant type: single nucleotide variant.
Coding change: c.441-2A>T on transcript NM_205861.3 (MANE Select); the canonical splice acceptor site of the intron before coding-DNA position 441, A replaced by T.
Molecular consequence: splice acceptor variant. On other transcripts: intron variant (1).
Genome position (GRCh38, 1-based): chr1:26,447,557, A>T. VCF-style: chr1-26447557-A-T. GRCh37 (hg19) VCF-style: chr1-26774048-A-T.
Other names: c.162-2A>T (NM_001319959.2); c.441-2A>T (NM_024887.4); c.440+1125A>T (NM_001243564.2); c.324-2A>T (NM_001243565.2).
Identifiers: ClinVar variation 1520232 (VCV001520232.6), dbSNP rs922956992, ClinGen allele CA19772551.